The following is an entry in ClinVar:

NM_007294.4(BRCA1):c.305del (p.Ala102fs)

Gene: BRCA1 (BRCA1 DNA repair associated; minus strand). Cytogenetic location: 17q21.31.
Variant type: Deletion.
Coding change: c.305del on transcript NM_007294.4 (MANE Select); coding-DNA position 305, one base deleted (C; older notation c.305delC).
Protein change: p.Ala102fs; shifts the reading frame from alanine 102.
Molecular consequence: frameshift variant. On other transcripts: non-coding transcript variant (1).
Genome position (GRCh38, 1-based): chr17:43,104,258, G deleted on the plus strand (C on the coding strand, the reverse complement: BRCA1 is on the minus strand). VCF-style (leftmost placement, unchanged base first): chr17-43104257-TG-T. GRCh37 (hg19) VCF-style: chr17-41256274-TG-T.
Other names: c.305delC, p.Ala102Glufs (NM_001407982.1, NM_001407983.1, NM_001407984.1 and 164 more transcripts); c.296delC, p.Ala99Glufs (NM_001408408.1, NM_001407646.1, NM_001407647.1); c.227delC, p.Ala76Glufs (NM_001408409.1, NM_001408411.1, NM_001408412.1 and 21 more transcripts); c.164delC, p.Ala55Glufs (NM_001408410.1, NM_001408452.1, NM_001408453.1 and 98 more transcripts); c.173delC, p.Ala58Glufs (NM_001408451.1); c.95delC, p.Ala32Glufs (NM_001408478.1, NM_001408479.1, NM_001408480.1 and 58 more transcripts); c.-77delC (NM_001408510.1, NM_001408512.1, NM_001407959.1 and 4 more transcripts); c.164del, p.Ala55fs (NM_007297.4); and 1 more; short protein forms A102fs, A55fs.
Identifiers: ClinVar variation 845906 (VCV000845906.9), dbSNP rs2054641544, ClinGen allele CA916080773.

ClinVar aggregate classification (germline): Pathogenic (1 of 4 stars; one submission).

Conditions:
Hereditary breast ovarian cancer syndrome. Also called: Breast and ovarian cancer; Hereditary breast and ovarian cancer; Hereditary breast and/or ovarian cancer syndrome; BRCA1- and BRCA2-Associated Hereditary Breast and Ovarian Cancer; Hereditary breast and ovarian cancer syndrome; Hereditary breast and ovarian cancer syndrome (HBOC). Identifiers: Orphanet 145, MedGen C0677776, MeSH D061325, MONDO:0003582. Disease mechanism: loss of function.

Submission:

Labcorp Genetics (formerly Invitae), Labcorp
Classification: Pathogenic for Hereditary breast ovarian cancer syndrome. Last evaluated: 2019-01-16. Review status: criteria provided, single submitter. Criteria: Invitae Variant Classification Sherloc (09022015). Collection method: clinical testing. Allele origin: germline.
Comment: This variant is not present in population databases (ExAC no frequency). This sequence change creates a premature translational stop signal (p.Ala102Glufs*17) in the BRCA1 gene. It is expected to result in an absent or disrupted protein product. This variant has not been reported in the literature in individuals with BRCA1-related conditions. For these reasons, this variant has been classified as Pathogenic. Loss-of-function variants in BRCA1 are known to be pathogenic (PMID: 20104584).

Literature cited by the submitters: PubMed 20104584.